The following is an entry in ClinVar:

ClinVar aggregate classification (germline): Uncertain significance. Review status: criteria provided, multiple submitters, no conflicts (2 of 4 stars). 2 submissions from 2 submitters: Uncertain significance (2). Last evaluated 2025-05-14.

Conditions:
Primary ciliary dyskinesia. Also called: Ciliary dyskinesia. Identifiers: Orphanet 244, MedGen C0008780, MONDO:0016575, HP:0012265.

Allele frequency attached by ClinVar (database versions not stated): gnomAD 0.00010; TOPMed 0.00010.
gnomAD v4.1: 54 of 1,613,548 alleles (0.0033%); highest among the groups gnomAD compares: Admixed American, 0.04%; no homozygotes.

Submissions (2):

Ambry Genetics
Classification: Uncertain significance for Primary ciliary dyskinesia. Last evaluated: 2025-05-14. Review status: criteria provided, single submitter. Criteria: Ambry Variant Classification Scheme 2023. Collection method: clinical testing. Allele origin: germline.

Labcorp Genetics (formerly Invitae), Labcorp
Classification: Uncertain significance for Primary ciliary dyskinesia. Last evaluated: 2022-08-19. Review status: criteria provided, single submitter. Criteria: Invitae Variant Classification Sherloc (09022015). Collection method: clinical testing. Allele origin: germline.
Comment: This sequence change replaces serine, which is neutral and polar, with glycine, which is neutral and non-polar, at codon 3 of the CCDC39 protein (p.Ser3Gly). This variant is present in population databases (rs757699907, gnomAD 0.03%). This variant has not been reported in the literature in individuals affected with CCDC39-related conditions. Algorithms developed to predict the effect of missense changes on protein structure and function (SIFT, PolyPhen-2, Align-GVGD) all suggest that this variant is likely to be tolerated. In summary, the available evidence is currently insufficient to determine the role of this variant in disease. Therefore, it has been classified as a Variant of Uncertain Significance.

NM_181426.2(CCDC39):c.7A>G (p.Ser3Gly)

Gene: CCDC39 (coiled-coil domain 39 molecular ruler complex subunit; minus strand). Cytogenetic location: 3q26.33.
Variant type: single nucleotide variant.
Coding change: c.7A>G on transcript NM_181426.2 (MANE Select); coding-DNA position 7, A replaced by G.
Protein change: p.Ser3Gly; replaces serine 3 with glycine.
Molecular consequence: missense variant.
Genome position (GRCh38, 1-based): chr3:180,679,374, T>C on the plus strand (A>G on the coding strand, the complement: CCDC39 is on the minus strand). VCF-style: chr3-180679374-T-C. GRCh37 (hg19) VCF-style: chr3-180397162-T-C.
Other names: c.7A>G (NM_181426.1); short protein forms S3G.
Identifiers: ClinVar variation 2022840 (VCV002022840.2), dbSNP rs757699907, ClinGen allele CA2716277.